The following is an entry in ClinVar:

NM_001080517.3(SETD5):c.4015A>G (p.Ser1339Gly)

Gene: SETD5 (SET domain containing 5; plus strand). Cytogenetic location: 3p25.3.
Variant type: single nucleotide variant.
Coding change: c.4015A>G on transcript NM_001080517.3 (MANE Select); coding-DNA position 4015, A replaced by G.
Protein change: p.Ser1339Gly; replaces serine 1339 with glycine.
Molecular consequence: missense variant.
Genome position (GRCh38, 1-based): chr3:9,475,777, A>G. VCF-style: chr3-9475777-A-G. GRCh37 (hg19) VCF-style: chr3-9517461-A-G.
Other names: c.3721A>G, p.Ser1241Gly (NM_001292043.2, NM_001349451.2); short protein forms S1241G, S1339G.
Identifiers: ClinVar variation 2504699 (VCV002504699.1), dbSNP rs2473986682, ClinGen allele CA351693718.

ClinVar aggregate classification (germline): Uncertain significance (1 of 4 stars; one submission).

Submission:

GeneDx
Classification: Uncertain significance. Last evaluated: 2022-12-11. Review status: criteria provided, single submitter. Criteria: GeneDx Variant Classification Process June 2021. Collection method: clinical testing. Allele origin: germline. Affected: yes.
Comment: Not observed at significant frequency in large population cohorts (gnomAD); In silico analysis supports that this missense variant does not alter protein structure/function; Has not been previously published as pathogenic or benign to our knowledge